The following is an entry in ClinVar:

NM_000057.4(BLM):c.4093A>G (p.Arg1365Gly)

Gene: BLM (BLM RecQ like helicase; plus strand). Cytogenetic location: 15q26.1.
Variant type: single nucleotide variant.
Coding change: c.4093A>G on transcript NM_000057.4 (MANE Select); coding-DNA position 4093, A replaced by G.
Protein change: p.Arg1365Gly; replaces arginine 1365 with glycine.
Molecular consequence: missense variant.
Genome position (GRCh38, 1-based): chr15:90,815,118, A>G. VCF-style: chr15-90815118-A-G. GRCh37 (hg19) VCF-style: chr15-91358348-A-G.
Other names: c.4093A>G (LRG_20t1); c.4093A>G, p.Arg1365Gly (NM_001287246.2); c.3700A>G, p.Arg1234Gly (NM_001287247.2); c.2968A>G, p.Arg990Gly (NM_001287248.2); short protein forms R1365G, R1234G, R990G.
Identifiers: ClinVar variation 485355 (VCV000485355.17), dbSNP rs759982203, ClinGen allele CA7739196.

ClinVar aggregate classification (germline): Uncertain significance. Review status: criteria provided, multiple submitters, no conflicts (2 of 4 stars). 4 submissions from 4 submitters: Uncertain significance (3). 1 of the submissions does not count toward it. Last evaluated 2024-07-11.

Conditions:
Hereditary cancer-predisposing syndrome. Also called: Neoplastic Syndromes, Hereditary; Tumor predisposition; Hereditary Cancer Syndrome; Hereditary neoplastic syndrome. Identifiers: Orphanet 140162, MedGen C0027672, MeSH D009386, MONDO:0015356.
Bloom syndrome (BLM). Also called: Bloom-Torre-Machacek syndrome. Identifiers: Orphanet 125, MedGen C0005859, MONDO:0008876, OMIM 210900.

Allele frequency attached by ClinVar (database versions not stated): gnomAD exomes below 0.00001; TOPMed below 0.00001; ExAC 0.00001; gnomAD 0.00001.
gnomAD v4.1: 2 of 1,614,016 alleles (0.00012%); highest among the groups gnomAD compares: African/African-American, 0.0013%; no homozygotes.

Submissions (4):

Ambry Genetics
Classification: Uncertain significance for Hereditary cancer-predisposing syndrome. Last evaluated: 2024-07-11. Review status: criteria provided, single submitter. Criteria: Ambry Variant Classification Scheme 2023. Collection method: clinical testing. Allele origin: germline.
Comment: The p.R1365G variant (also known as c.4093A>G), located in coding exon 21 of the BLM gene, results from an A to G substitution at nucleotide position 4093. The arginine at codon 1365 is replaced by glycine, an amino acid with dissimilar properties. This amino acid position is highly conserved in available vertebrate species. In addition, the in silico prediction for this alteration is inconclusive. Since supporting evidence is limited at this time, the clinical significance of this alteration remains unclear.

Labcorp Genetics (formerly Invitae), Labcorp
Classification: Uncertain significance for Bloom syndrome. Last evaluated: 2024-03-21. Review status: criteria provided, single submitter. Criteria: Invitae Variant Classification Sherloc (09022015). Collection method: clinical testing. Allele origin: germline.
Comment: This sequence change replaces arginine, which is basic and polar, with glycine, which is neutral and non-polar, at codon 1365 of the BLM protein (p.Arg1365Gly). This variant is present in population databases (rs759982203, gnomAD 0.008%). This variant has not been reported in the literature in individuals affected with BLM-related conditions. ClinVar contains an entry for this variant (Variation ID: 485355). Advanced modeling of protein sequence and biophysical properties (such as structural, functional, and spatial information, amino acid conservation, physicochemical variation, residue mobility, and thermodynamic stability) performed at Invitae indicates that this missense variant is not expected to disrupt BLM protein function with a negative predictive value of 80%. In summary, the available evidence is currently insufficient to determine the role of this variant in disease. Therefore, it has been classified as a Variant of Uncertain Significance.

Quest Diagnostics Nichols Institute San Juan Capistrano
Classification: Uncertain significance. Last evaluated: 2024-01-04. Review status: criteria provided, single submitter. Criteria: Quest Diagnostics criteria. Collection method: clinical testing. Allele origin: unknown.
Comment: The BLM c.4093A>G (p.Arg1365Gly) variant has not been reported in individuals with BLM-related conditions in the published literature. The frequency of this variant in the general population, 0.0000071 (2/282836 chromosomes (Genome Aggregation Database)), is uninformative in the assessment of its pathogenicity. Analysis of this variant using bioinformatics tools for the prediction of the effect of amino acid changes on protein structure and function yielded conflicting predictions that this variant is benign or damaging. Based on the available information, we are unable to determine the clinical significance of this variant.

Natera, Inc.
Classification: Uncertain significance for Bloom syndrome. Last evaluated: 2019-01-23. Review status: no assertion criteria provided. Collection method: clinical testing. Allele origin: germline. Not counted in ClinVar's aggregate classification.